The following is an entry in ClinVar:

NM_001144967.3(NEDD4L):c.577C>A (p.Pro193Thr)

Gene: NEDD4L (NEDD4 like E3 ubiquitin protein ligase; plus strand). Cytogenetic location: 18q21.31.
Variant type: single nucleotide variant.
Coding change: c.577C>A on transcript NM_001144967.3 (MANE Select); coding-DNA position 577, C replaced by A.
Protein change: p.Pro193Thr; replaces proline 193 with threonine.
Molecular consequence: missense variant.
Genome position (GRCh38, 1-based): chr18:58,325,059, C>A. VCF-style: chr18-58325059-C-A. GRCh37 (hg19) VCF-style: chr18-55992291-C-A.
Other names: c.214C>A, p.Pro72Thr (NM_001144964.1, NM_001144965.2, NM_001144966.3 and 2 more transcripts); c.553C>A, p.Pro185Thr (NM_001144968.2, NM_001144969.2); c.577C>A, p.Pro193Thr (NM_001243960.2, NM_015277.6); short protein forms P185T, P193T, P72T.
Identifiers: ClinVar variation 2718948 (VCV002718948.3), dbSNP rs2516151163, ClinGen allele CA402552623.
Genomic context (GRCh38, chr18:58,325,059, plus strand): 5'-GGATGGGAAGTTGTTGACTCAAATGACTCGGCTTCTCAGCACCAAGAGGAACTTCCTCCT[C>A]CTCCTCTGCCTCCCGGGTGGGAAGAAAAAGTGGACAATTTAGGCCGAACTTACTATGTCA-3'
Protein context (NP_001138439.1, residues 183-203): ASQHQEELPP[Pro193Thr]PLPPGWEEKV

ClinVar aggregate classification (germline): Uncertain significance (1 of 4 stars; one submission).

gnomAD v4.1: 1 of 1,614,018 alleles (0.000062%); highest among the groups gnomAD compares: Non-Finnish European, 0.000085%; no homozygotes.

Submission:

Labcorp Genetics (formerly Invitae), Labcorp
Classification: Uncertain significance. Last evaluated: 2024-12-22. Review status: criteria provided, single submitter. Criteria: Invitae Variant Classification Sherloc (09022015). Collection method: clinical testing. Allele origin: germline.
Comment: This sequence change replaces proline, which is neutral and non-polar, with threonine, which is neutral and polar, at codon 193 of the NEDD4L protein (p.Pro193Thr). This variant is not present in population databases (gnomAD no frequency). This variant has not been reported in the literature in individuals affected with NEDD4L-related conditions. ClinVar contains an entry for this variant (Variation ID: 2718948). Invitae Evidence Modeling of protein sequence and biophysical properties (such as structural, functional, and spatial information, amino acid conservation, physicochemical variation, residue mobility, and thermodynamic stability) indicates that this missense variant is not expected to disrupt NEDD4L protein function with a negative predictive value of 80%. In summary, the available evidence is currently insufficient to determine the role of this variant in disease. Therefore, it has been classified as a Variant of Uncertain Significance.